The following is an entry in ClinVar:

NM_004336.5(BUB1):c.656A>G (p.Tyr219Cys)

Gene: BUB1 (BUB1 mitotic checkpoint serine/threonine kinase; minus strand). Cytogenetic location: 2q13.
Variant type: single nucleotide variant.
Coding change: c.656A>G on transcript NM_004336.5 (MANE Select); coding-DNA position 656, A replaced by G.
Protein change: p.Tyr219Cys; replaces tyrosine 219 with cysteine.
Molecular consequence: missense variant.
Genome position (GRCh38, 1-based): chr2:110,667,670, T>C on the plus strand (A>G on the coding strand, the complement: BUB1 is on the minus strand). VCF-style: chr2-110667670-T-C. GRCh37 (hg19) VCF-style: chr2-111425247-T-C.
Other names: c.596A>G, p.Tyr199Cys (NM_001278616.2); c.656A>G, p.Tyr219Cys (NM_001278617.2); short protein forms Y199C, Y219C.
Identifiers: ClinVar variation 1754222 (VCV001754222.2), dbSNP rs377616534, ClinGen allele CA1828278.

ClinVar aggregate classification (germline): Uncertain significance (1 of 4 stars; one submission).

Allele frequency attached by ClinVar (database versions not stated): TOPMed below 0.00001; ExAC 0.00001; gnomAD 0.00001; ESP Exome Variant Server 0.00008.
gnomAD v4.1: 1 of 1,613,392 alleles (0.000062%); highest among the groups gnomAD compares: Non-Finnish European, 0.000085%; no homozygotes.

Submission:

Ambry Genetics
Classification: Uncertain significance. Last evaluated: 2023-11-01. Review status: criteria provided, single submitter. Criteria: Ambry Variant Classification Scheme 2023. Collection method: clinical testing. Allele origin: germline.
Comment: The p.Y219C variant (also known as c.656A>G), located in coding exon 8 of the BUB1 gene, results from an A to G substitution at nucleotide position 656. The tyrosine at codon 219 is replaced by cysteine, an amino acid with highly dissimilar properties. This amino acid position is conserved. In addition, this alteration is predicted to be tolerated by in silico analysis. Since supporting evidence is limited at this time, the clinical significance of this alteration remains unclear.